The following is an entry in ClinVar:

NM_005120.3(MED12):c.4669T>C (p.Trp1557Arg)

Gene: MED12 (mediator complex subunit 12; plus strand). Cytogenetic location: Xq13.1.
Variant type: single nucleotide variant.
Coding change: c.4669T>C on transcript NM_005120.3 (MANE Select); coding-DNA position 4669, T replaced by C.
Protein change: p.Trp1557Arg; replaces tryptophan 1557 with arginine.
Molecular consequence: missense variant.
Genome position (GRCh38, 1-based): chrX:71,134,408, T>C. VCF-style: chrX-71134408-T-C. GRCh37 (hg19) VCF-style: chrX-70354258-T-C.
Other names: short protein forms W1557R.
Identifiers: ClinVar variation 196905 (VCV000196905.7), dbSNP rs794727576, ClinGen allele CA244701.

ClinVar aggregate classification (germline): Likely pathogenic. Review status: criteria provided, single submitter (1 of 4 stars). 2 submissions from 2 submitters: Likely pathogenic (1). 1 of the submissions does not count toward it. Last evaluated 2017-05-18.

Conditions:
FG syndrome 1 (OKS). Also called: KELLER SYNDROME; MENTAL RETARDATION, LARGE HEAD, IMPERFORATE ANUS, CONGENITAL HYPOTONIA, AND PARTIAL AGENESIS OF CORPUS CALLOSUM; OPITZ-KAVEGGIA SYNDROME; FG Syndrome Type 1 (FGS1). Identifiers: Orphanet 93932, MedGen C5399762, MONDO:0010590, OMIM 305450.

Submissions (2):

Eurofins Ntd Llc (ga)
Classification: Likely pathogenic. Last evaluated: 2017-05-18. Review status: criteria provided, single submitter. Criteria: EGL Classification Definitions 2015. Collection method: clinical testing. Allele origin: germline. Observed: 1 variant allele, 1 heterozygote.

GeneReviews
No classification provided. Condition: FG syndrome. Review status: no classification provided. Collection method: literature only. Allele origin: germline. Not counted in ClinVar's aggregate classification.

Literature cited by the submitters: PubMed 33913598 (cited by GeneReviews); PubMed 20301719 (cited by GeneReviews).